The following is an entry in ClinVar:

NM_001429.4(EP300):c.6677G>A (p.Arg2226Gln)

Gene: EP300 (EP300 lysine acetyltransferase; plus strand). Cytogenetic location: 22q13.2.
Variant type: single nucleotide variant.
Coding change: c.6677G>A on transcript NM_001429.4 (MANE Select); coding-DNA position 6677, G replaced by A.
Protein change: p.Arg2226Gln; replaces arginine 2226 with glutamine.
Molecular consequence: missense variant.
Genome position (GRCh38, 1-based): chr22:41,178,388, G>A. VCF-style: chr22-41178388-G-A. GRCh37 (hg19) VCF-style: chr22-41574392-G-A.
Other names: c.6599G>A, p.Arg2200Gln (NM_001362843.2); c.6677G>A (NM_001429.3); short protein forms R2200Q, R2226Q.
Identifiers: ClinVar variation 4710631 (VCV004710631.2).

ClinVar aggregate classification (germline): Conflicting classifications of pathogenicity. Review status: criteria provided, conflicting classifications (1 of 4 stars). 2 submissions from 2 submitters: Uncertain significance (1); Likely benign (1). Last evaluated 2025-10-05.

Conditions:
Rubinstein-Taybi syndrome due to EP300 haploinsufficiency. Also called: EP300-Related Rubinstein-Taybi Syndrome; RUBINSTEIN-TAYBI SYNDROME 2. Identifiers: Orphanet 353284, Orphanet 783, MedGen C3150941, MONDO:0013364, OMIM 613684.
EP300-related disorder. Also called: EP300-related condition; EP300-related disorders.

gnomAD v4.1: 26 of 1,613,980 alleles (0.0016%); highest among the groups gnomAD compares: Middle Eastern, 0.016%; no homozygotes.

Submissions (2):

Labcorp Genetics (formerly Invitae), Labcorp
Classification: Likely benign for Rubinstein-Taybi syndrome due to EP300 haploinsufficiency. Last evaluated: 2025-10-05. Review status: criteria provided, single submitter. Criteria: Invitae Variant Classification Sherloc (09022015). Collection method: clinical testing. Allele origin: germline.

PreventionGenetics, part of Exact Sciences
Classification: Uncertain significance for EP300-related condition. Last evaluated: 2025-09-15. Review status: criteria provided, single submitter. Criteria: ACMG Guidelines, 2015. Collection method: clinical testing. Allele origin: germline.
Comment: The EP300 c.6677G>A variant is predicted to result in the amino acid substitution p.Arg2226Gln. This variant was reported in an individual with Rubinstein-Taybi syndrome (Table S1, Monies et al. 2017. PubMed ID: 28600779). This variant is reported in 0.013% of alleles in individuals of South Asian descent in gnomAD. At this time, the clinical significance of this variant is uncertain due to the absence of conclusive functional and genetic evidence.